The following is an entry in ClinVar:

NM_002241.5(KCNJ10):c.274G>T (p.Ala92Ser)

Gene: KCNJ10 (potassium inwardly rectifying channel subfamily J member 10; minus strand). Cytogenetic location: 1q23.2.
Variant type: single nucleotide variant.
Coding change: c.274G>T on transcript NM_002241.5 (MANE Select); coding-DNA position 274, G replaced by T.
Protein change: p.Ala92Ser; replaces alanine 92 with serine.
Molecular consequence: missense variant.
Genome position (GRCh38, 1-based): chr1:160,042,259, C>A on the plus strand (G>T on the coding strand, the complement: KCNJ10 is on the minus strand). VCF-style: chr1-160042259-C-A. GRCh37 (hg19) VCF-style: chr1-160012049-C-A.
Other names: p.Ala92Ser; short protein forms A92S.
Identifiers: ClinVar variation 435551 (VCV000435551.14), dbSNP rs1314505994, ClinGen allele CA343229039.

ClinVar aggregate classification (germline): Uncertain significance. Review status: criteria provided, multiple submitters, no conflicts (2 of 4 stars). 3 submissions from 3 submitters: Uncertain significance (3). Last evaluated 2025-03-07.

Conditions:
KCNJ10-related disorder. Also called: KCNJ10-related condition; KCNJ10-related disorders. Identifiers: MedGen CN239321.
EAST syndrome (SESAMES). Also called: SEIZURES, SENSORINEURAL DEAFNESS, ATAXIA, IMPAIRED INTELLECTUAL DEVELOPMENT, AND ELECTROLYTE IMBALANCE. Identifiers: Orphanet 199343, MedGen C2748572, MONDO:0013005, OMIM 612780.

Allele frequency attached by ClinVar (database versions not stated): gnomAD exomes below 0.00001 and 0.00001; gnomAD 0.00001; TOPMed 0.00001.
gnomAD v4.1: 6 of 1,613,932 alleles (0.00037%); highest among the groups gnomAD compares: Non-Finnish European, 0.00051%; no homozygotes.

Submissions (3):

Mayo Clinic Laboratories, Mayo Clinic
Classification: Uncertain significance. Last evaluated: 2025-03-07. Review status: criteria provided, single submitter. Criteria: ACMG Guidelines, 2015. Collection method: clinical testing. Allele origin: germline. Observed: 1 variant allele.
Comment: BP4, PM2_supporting

Labcorp Genetics (formerly Invitae), Labcorp
Classification: Uncertain significance for EAST syndrome. Last evaluated: 2023-10-03. Review status: criteria provided, single submitter. Criteria: Invitae Variant Classification Sherloc (09022015). Collection method: clinical testing. Allele origin: germline.
Comment: This sequence change replaces alanine, which is neutral and non-polar, with serine, which is neutral and polar, at codon 92 of the KCNJ10 protein (p.Ala92Ser). This variant is present in population databases (no rsID available, gnomAD 0.002%). This variant has not been reported in the literature in individuals affected with KCNJ10-related conditions. ClinVar contains an entry for this variant (Variation ID: 435551). Advanced modeling of protein sequence and biophysical properties (such as structural, functional, and spatial information, amino acid conservation, physicochemical variation, residue mobility, and thermodynamic stability) performed at Invitae indicates that this missense variant is not expected to disrupt KCNJ10 protein function. In summary, the available evidence is currently insufficient to determine the role of this variant in disease. Therefore, it has been classified as a Variant of Uncertain Significance.

Genetic Services Laboratory, University of Chicago
Classification: Uncertain significance. Last evaluated: 2016-02-26. Review status: criteria provided, single submitter. Criteria: ACMG Guidelines, 2015. Collection method: clinical testing. Allele origin: germline. Affected: no.